The following is an entry in ClinVar:

NM_000807.4(GABRA2):c.1059+5589A>G

Gene: GABRA2 (gamma-aminobutyric acid type A receptor subunit alpha2; minus strand). Cytogenetic location: 4p12.
Variant type: single nucleotide variant.
Coding change: c.1059+5589A>G on transcript NM_000807.4 (MANE Select); 5589 bases into the intron after coding-DNA position 1059, A replaced by G.
Molecular consequence: intron variant. On other transcripts: missense variant (4).
Genome position (GRCh38, 1-based): chr4:46,256,337, T>C on the plus strand (A>G on the coding strand, the complement: GABRA2 is on the minus strand). VCF-style: chr4-46256337-T-C. GRCh37 (hg19) VCF-style: chr4-46258354-T-C.
Other names: c.932A>G, p.Tyr311Cys (NM_001286827.3); c.1097A>G, p.Tyr366Cys (NM_001330690.2, NM_001377144.1, NM_001377145.1); c.894+5589A>G (NM_001377154.1, NM_001377152.1, NM_001377153.1); c.1059+5589A>G (NM_001377146.1, NM_001377150.1, NM_001377147.1 and 4 more transcripts); short protein forms Y311C, Y366C.
Identifiers: ClinVar variation 2418268 (VCV002418268.6), dbSNP rs1421110861, ClinGen allele CA356803828.

ClinVar aggregate classification (germline): Uncertain significance (1 of 4 stars; one submission).

Allele frequency attached by ClinVar (database versions not stated): gnomAD exomes below 0.00001; TOPMed 0.00002.
gnomAD v4.1: 1 of 687,802 alleles (0.00015%); highest among the groups gnomAD compares: African/African-American, 0.0018%; no homozygotes.

Submission:

Labcorp Genetics (formerly Invitae), Labcorp
Classification: Uncertain significance. Last evaluated: 2023-11-27. Review status: criteria provided, single submitter. Criteria: Invitae Variant Classification Sherloc (09022015). Collection method: clinical testing. Allele origin: germline.
Comment: This sequence change replaces tyrosine, which is neutral and polar, with cysteine, which is neutral and slightly polar, at codon 366 of the GABRA2 protein (p.Tyr366Cys). This variant is not present in population databases (gnomAD no frequency). This variant has not been reported in the literature in individuals affected with GABRA2-related conditions. ClinVar contains an entry for this variant (Variation ID: 2418268). An algorithm developed to predict the effect of missense changes on protein structure and function (PolyPhen-2) suggests that this variant is likely to be tolerated. In summary, the available evidence is currently insufficient to determine the role of this variant in disease. Therefore, it has been classified as a Variant of Uncertain Significance.